The following is an entry in ClinVar:

NM_001875.5(CPS1):c.1003C>T (p.Gln335Ter)

Gene: CPS1 (carbamoyl-phosphate synthase 1; plus strand). Cytogenetic location: 2q34.
Variant type: single nucleotide variant.
Coding change: c.1003C>T on transcript NM_001875.5 (MANE Select); coding-DNA position 1003, C replaced by T.
Protein change: p.Gln335Ter; replaces glutamine 335 with a stop codon.
Molecular consequence: nonsense. On other transcripts: non-coding transcript variant (1).
Genome position (GRCh38, 1-based): chr2:210,591,886, C>T. VCF-style: chr2-210591886-C-T. GRCh37 (hg19) VCF-style: chr2-211456610-C-T.
Other names: c.1003C>T, p.Gln335Ter (NM_001122633.3, NM_001369257.1); c.1036C>T, p.Gln346Ter (NM_001369256.1); short protein forms Q335*, Q346*.
Identifiers: ClinVar variation 842852 (VCV000842852.7), dbSNP rs1698314043, ClinGen allele CA350430513.

ClinVar aggregate classification (germline): Pathogenic (1 of 4 stars; one submission).

Conditions:
Congenital hyperammonemia, type I. Also called: CPS I DEFICIENCY; Carbamoyl phosphate synthetase I deficiency disease; Carbamoyl-phosphate synthase I deficiency; Carbamoyl phosphate synthetase 1 deficiency; Hyperammonemia due to carbamoyl phosphate synthetase 1 deficiency; CPS 1 deficiency. Identifiers: Orphanet 147, MedGen C4082171, MONDO:0009376, OMIM 237300.

Submission:

Labcorp Genetics (formerly Invitae), Labcorp
Classification: Pathogenic for Congenital hyperammonemia, type I. Last evaluated: 2019-12-02. Review status: criteria provided, single submitter. Criteria: Invitae Variant Classification Sherloc (09022015). Collection method: clinical testing. Allele origin: germline.
Comment: For these reasons, this variant has been classified as Pathogenic. Loss-of-function variants in CPS1 are known to be pathogenic (PMID: 21120950). This variant has not been reported in the literature in individuals with CPS1-related conditions. This variant is not present in population databases (ExAC no frequency). This sequence change creates a premature translational stop signal (p.Gln335*) in the CPS1 gene. It is expected to result in an absent or disrupted protein product.

Literature cited by the submitters: PubMed 21120950.